The following is an entry in ClinVar:

ClinVar aggregate classification (germline): Likely benign (0 of 4 stars; one submission).

Conditions:
SLC10A1-related disorder. Also called: SLC10A1-related condition.

Allele frequency attached by ClinVar (database versions not stated): ExAC 0.00001; gnomAD exomes 0.00001.
gnomAD v4.1: 11 of 1,608,968 alleles (0.00068%); highest among the groups gnomAD compares: Non-Finnish European, 0.00077%; no homozygotes.

Submission:

PreventionGenetics, part of Exact Sciences
Classification: Likely benign for SLC10A1-related condition. Last evaluated: 2021-12-01. Review status: no assertion criteria provided. Collection method: clinical testing. Allele origin: germline.
Comment: This variant is classified as likely benign based on ACMG/AMP sequence variant interpretation guidelines (Richards et al. 2015 PMID: 25741868, with internal and published modifications).

NM_003049.4(SLC10A1):c.356+6C>A

Gene: SLC10A1 (solute carrier family 10 member 1; minus strand). Cytogenetic location: 14q24.1.
Variant type: single nucleotide variant.
Coding change: c.356+6C>A on transcript NM_003049.4 (MANE Select); 6 bases into the intron after coding-DNA position 356, C replaced by A.
Molecular consequence: intron variant.
Genome position (GRCh38, 1-based): chr14:69,796,794, G>T on the plus strand (C>A on the coding strand, the complement: SLC10A1 is on the minus strand). VCF-style: chr14-69796794-G-T. GRCh37 (hg19) VCF-style: chr14-70263511-G-T.
Identifiers: ClinVar variation 3054532 (VCV003054532.2), dbSNP rs770817085, ClinGen allele CA7246221.